The following is an entry in ClinVar:

ClinVar aggregate classification (germline): Uncertain significance. Review status: criteria provided, multiple submitters, no conflicts (2 of 4 stars). 3 submissions from 3 submitters: Uncertain significance (3). Last evaluated 2025-10-08.

Conditions:
Hereditary cancer-predisposing syndrome. Also called: Hereditary neoplastic syndrome; Hereditary Cancer Syndrome; Neoplastic Syndromes, Hereditary; Tumor predisposition. Identifiers: Orphanet 140162, MedGen C0027672, MeSH D009386, MONDO:0015356.
Familial adenomatous polyposis 1 (FAP1). Also called: FAMILIAL ADENOMATOUS POLYPOSIS 1, ATTENUATED; POLYPOSIS, ADENOMATOUS INTESTINAL. Identifiers: MedGen C2713442, MONDO:0021056, OMIM 175100. Disease mechanism: loss of function.

Allele frequency attached by ClinVar (database versions not stated): TOPMed below 0.00001.
gnomAD v4.1: 7 of 1,614,014 alleles (0.00043%); highest among the groups gnomAD compares: African/African-American, 0.0013%; no homozygotes.

Submissions (3):

Ambry Genetics
Classification: Uncertain significance for Hereditary cancer-predisposing syndrome. Last evaluated: 2025-10-08. Review status: criteria provided, single submitter. Criteria: Ambry Variant Classification Scheme 2023. Collection method: clinical testing. Allele origin: germline.
Comment: The p.G1339S variant (also known as c.4015G>A), located in coding exon 15 of the APC gene, results from a G to A substitution at nucleotide position 4015. The glycine at codon 1339 is replaced by serine, an amino acid with similar properties. This amino acid position is poorly conserved in available vertebrate species. In addition, in silico predictors for this gene do not accurately predict pathogenicity. Since supporting evidence is limited at this time, the clinical significance of this alteration remains unclear.

Labcorp Genetics (formerly Invitae), Labcorp
Classification: Uncertain significance for Familial adenomatous polyposis 1. Last evaluated: 2025-06-02. Review status: criteria provided, single submitter. Criteria: Invitae Variant Classification Sherloc (09022015). Collection method: clinical testing. Allele origin: germline.
Comment: This sequence change replaces glycine, which is neutral and non-polar, with serine, which is neutral and polar, at codon 1339 of the APC protein (p.Gly1339Ser). This variant is not present in population databases (gnomAD no frequency). This variant has not been reported in the literature in individuals affected with APC-related conditions. ClinVar contains an entry for this variant (Variation ID: 229971). Invitae Evidence Modeling of protein sequence and biophysical properties (such as structural, functional, and spatial information, amino acid conservation, physicochemical variation, residue mobility, and thermodynamic stability) indicates that this missense variant is not expected to disrupt APC protein function with a negative predictive value of 95%. In summary, the available evidence is currently insufficient to determine the role of this variant in disease. Therefore, it has been classified as a Variant of Uncertain Significance.

Color Diagnostics, LLC DBA Color Health
Classification: Uncertain significance for Hereditary cancer-predisposing syndrome. Last evaluated: 2019-06-25. Review status: criteria provided, single submitter. Criteria: ACMG Guidelines, 2015. Collection method: clinical testing. Allele origin: germline.

NM_000038.6(APC):c.4015G>A (p.Gly1339Ser)

Gene: APC (APC regulator of Wnt signaling pathway; plus strand). Cytogenetic location: 5q22.2.
Variant type: single nucleotide variant.
Coding change: c.4015G>A on transcript NM_000038.6 (MANE Select); coding-DNA position 4015, G replaced by A.
Protein change: p.Gly1339Ser; replaces glycine 1339 with serine.
Molecular consequence: missense variant.
Genome position (GRCh38, 1-based): chr5:112,839,609, G>A. VCF-style: chr5-112839609-G-A. GRCh37 (hg19) VCF-style: chr5-112175306-G-A.
Other names: c.3535G>A, p.Gly1179Ser (NM_001354905.2); c.3166G>A, p.Gly1056Ser (NM_001354906.2); c.4015G>A, p.Gly1339Ser (NM_001127510.3, NM_001354895.2); c.3961G>A, p.Gly1321Ser (NM_001127511.3); c.4069G>A, p.Gly1357Ser (NM_001354896.2); c.4045G>A, p.Gly1349Ser (NM_001354897.2); c.3940G>A, p.Gly1314Ser (NM_001354898.2); c.3931G>A, p.Gly1311Ser (NM_001354899.2); and 5 more; short protein forms G1321S, G1339S, G1238S, G1248S, G1349S, G1056S, G1213S, G1298S.
Identifiers: ClinVar variation 229971 (VCV000229971.16), dbSNP rs876658310, ClinGen allele CA10578363.